The following is an entry in ClinVar:

ClinVar aggregate classification (germline): Conflicting classifications of pathogenicity. Review status: criteria provided, conflicting classifications (1 of 4 stars). 4 submissions from 4 submitters: Uncertain significance (1); Benign (1); Likely benign (1). 1 of the submissions does not count toward it. Last evaluated 2025-12-15.

Conditions:
HMGCL-related disorder. Also called: HMGCL-related condition.
Deficiency of hydroxymethylglutaryl-CoA lyase (HMGCLD). Also called: HMGCL DEFICIENCY; HYDROXYMETHYLGLUTARIC ACIDURIA; Defect in leucine metabolism; 3-hydroxy-3-methylglutaric aciduria; HMG-CoA LYASE DEFICIENCY. Identifiers: Orphanet 20, MedGen C1533587, MONDO:0009520, OMIM 246450.

Allele frequency attached by ClinVar (database versions not stated): TOPMed 0.00003; gnomAD 0.00005 and 0.00010; ESP Exome Variant Server 0.00008; gnomAD exomes 0.00021 and 0.00035; ExAC 0.00038.
gnomAD v4.1: 327 of 1,613,926 alleles (0.02%); highest among the groups gnomAD compares: South Asian, 0.21%; 2 homozygotes.

Submissions (4):

Labcorp Genetics (formerly Invitae), Labcorp
Classification: Benign for Deficiency of hydroxymethylglutaryl-CoA lyase. Last evaluated: 2025-12-15. Review status: criteria provided, single submitter. Criteria: Invitae Variant Classification Sherloc (09022015). Collection method: clinical testing. Allele origin: germline.

PreventionGenetics, part of Exact Sciences
Classification: Likely benign for HMGCL-related condition. Last evaluated: 2025-05-22. Review status: criteria provided, single submitter. Criteria: ACMG Guidelines, 2015. Collection method: clinical testing. Allele origin: germline.
Comment: This variant is classified as likely benign based on ACMG/AMP sequence variant interpretation guidelines (Richards et al. 2015 PMID: 25741868, with internal and published modifications).

Illumina Laboratory Services, Illumina
Classification: Uncertain significance for Deficiency of hydroxymethylglutaryl-CoA lyase. Last evaluated: 2018-01-13. Review status: criteria provided, single submitter. Criteria: ICSL Variant Classification Criteria 13 December 2019. Collection method: clinical testing. Allele origin: germline.

Natera, Inc.
Classification: Benign for HMG-CoA lyase deficiency. Last evaluated: 2020-05-01. Review status: no assertion criteria provided. Collection method: clinical testing. Allele origin: germline. Not counted in ClinVar's aggregate classification.

NM_000191.3(HMGCL):c.454G>A (p.Ala152Thr)

Gene: HMGCL (3-hydroxy-3-methylglutaryl-CoA lyase; minus strand). Cytogenetic location: 1p36.11.
Variant type: single nucleotide variant.
Coding change: c.454G>A on transcript NM_000191.3 (MANE Select); coding-DNA position 454, G replaced by A.
Protein change: p.Ala152Thr; replaces alanine 152 with threonine.
Molecular consequence: missense variant. On other transcripts: intron variant (1).
Genome position (GRCh38, 1-based): chr1:23,814,233, C>T on the plus strand (G>A on the coding strand, the complement: HMGCL is on the minus strand). VCF-style: chr1-23814233-C-T. GRCh37 (hg19) VCF-style: chr1-24140723-C-T.
Other names: c.348+2442G>A (NM_001166059.2); short protein forms A152T.
Identifiers: ClinVar variation 766092 (VCV000766092.17), dbSNP rs146306707, ClinGen allele CA686099.
Genomic context (GRCh38, chr1:23,814,233, plus strand): 5'-AATGTGCTCTGACTCACCCCCGCACAGAAATATTGGCTGACTGCGCTGCCTTCAGGATTG[C>T]GTCAAACCTCTGAAAACTCTCCTCTATGGAACAATTGATGTTCTTCTTGGTGAAGAGCTC-3'
Protein context (NP_000182.2, residues 142-162): SIEESFQRFD[Ala152Thr]ILKAAQSANI